The following is an entry in ClinVar:

ClinVar aggregate classification (germline): Uncertain significance. Review status: criteria provided, multiple submitters, no conflicts (2 of 4 stars). 2 submissions from 2 submitters: Uncertain significance (2). Last evaluated 2024-04-06.

Conditions:
Fanconi anemia complementation group E (FANCE). Also called: FANCE-Related Fanconi Anemia. Identifiers: Orphanet 84, MedGen C3160739, MONDO:0010953, OMIM 600901.
Fanconi anemia (FA). Also called: Fanconi's anemia. Identifiers: Orphanet 84, MedGen C0015625, MeSH D005199, MONDO:0019391.

Allele frequency attached by ClinVar (database versions not stated): gnomAD 0.00004; TOPMed 0.00004.

Submissions (2):

Labcorp Genetics (formerly Invitae), Labcorp
Classification: Uncertain significance for Fanconi anemia complementation group E. Last evaluated: 2024-04-06. Review status: criteria provided, single submitter. Criteria: Invitae Variant Classification Sherloc (09022015). Collection method: clinical testing. Allele origin: germline.
Comment: This sequence change replaces glycine, which is neutral and non-polar, with arginine, which is basic and polar, at codon 45 of the FANCE protein (p.Gly45Arg). This variant is present in population databases (no rsID available, gnomAD 0.007%). This variant has not been reported in the literature in individuals affected with FANCE-related conditions. ClinVar contains an entry for this variant (Variation ID: 861398). Advanced modeling of protein sequence and biophysical properties (such as structural, functional, and spatial information, amino acid conservation, physicochemical variation, residue mobility, and thermodynamic stability) performed at Invitae indicates that this missense variant is not expected to disrupt FANCE protein function with a negative predictive value of 80%. In summary, the available evidence is currently insufficient to determine the role of this variant in disease. Therefore, it has been classified as a Variant of Uncertain Significance.

Sema4
Classification: Uncertain significance for Fanconi anemia. Last evaluated: 2021-12-09. Review status: criteria provided, single submitter. Criteria: Sema4 Curation Guidelines. Collection method: curation. Allele origin: germline.
Comment: The FANCE c.133G>C (p.G45R) variant has not been reported in the literature to our knowledge. It was observed in 1/15350 chromosomes of the Non-Finnish European subpopulation in the large and broad cohorts of the Genome Aggregation Database (PMID: 32461654). The variant has been reported in ClinVar (Variation ID: 861398). In silico tools suggest the impact of the variant on protein function is benign, though these predictions have not been confirmed by functional studies. The evidence is insufficient to meet ACMG/AMP criteria for classifying the variant as benign or pathogenic. Thus, the clinical significance of this variant is currently uncertain.

NM_021922.3(FANCE):c.133G>C (p.Gly45Arg)

Genes: FANCE (FA complementation group E; plus strand), LOC129996245 (ATAC-STARR-seq lymphoblastoid silent region 17092; plus strand). Cytogenetic location: 6p21.31.
Variant type: single nucleotide variant.
Coding change: c.133G>C on transcript NM_021922.3 (MANE Select); coding-DNA position 133, G replaced by C.
Protein change: p.Gly45Arg; replaces glycine 45 with arginine.
Molecular consequence: missense variant.
Genome position (GRCh38, 1-based): chr6:35,452,678, G>C. VCF-style: chr6-35452678-G-C. GRCh37 (hg19) VCF-style: chr6-35420455-G-C.
Other names: short protein forms G45R.
Identifiers: ClinVar variation 861398 (VCV000861398.9), dbSNP rs996436646, ClinGen allele CA137292340.